The following is an entry in ClinVar:

ClinVar aggregate classification (germline): Uncertain significance (1 of 4 stars; one submission).

Conditions:
Multiple endocrine neoplasia, type 2 (MEN2). Identifiers: Orphanet 653, MedGen C4048306, MONDO:0019003. Disease mechanism: gain of function.

Submission:

Labcorp Genetics (formerly Invitae), Labcorp
Classification: Uncertain significance for Multiple endocrine neoplasia, type 2. Last evaluated: 2018-09-24. Review status: criteria provided, single submitter. Criteria: Invitae Variant Classification Sherloc (09022015). Collection method: clinical testing. Allele origin: germline.
Comment: This variant has not been reported in the literature in individuals with RET-related disease. In summary, the available evidence is currently insufficient to determine the role of this variant in disease. Therefore, it has been classified as a Variant of Uncertain Significance. Algorithms developed to predict the effect of missense changes on protein structure and function output the following: SIFT: "Tolerated"; PolyPhen-2: "Benign"; Align-GVGD: "Class C0". The aspartic acid amino acid residue is found in multiple mammalian species, suggesting that this missense change does not adversely affect protein function. These predictions have not been confirmed by published functional studies and their clinical significance is uncertain. This variant is not present in population databases (ExAC no frequency). This sequence change replaces glutamic acid with aspartic acid at codon 238 of the RET protein (p.Glu238Asp). The glutamic acid residue is weakly conserved and there is a small physicochemical difference between glutamic acid and aspartic acid.

NM_020975.6(RET):c.714G>T (p.Glu238Asp)

Gene: RET (ret proto-oncogene; plus strand). Cytogenetic location: 10q11.21.
Variant type: single nucleotide variant.
Coding change: c.714G>T on transcript NM_020975.6 (MANE Select); coding-DNA position 714, G replaced by T.
Protein change: p.Glu238Asp; replaces glutamic acid 238 with aspartic acid.
Molecular consequence: missense variant.
Genome position (GRCh38, 1-based): chr10:43,105,040, G>T. VCF-style: chr10-43105040-G-T. GRCh37 (hg19) VCF-style: chr10-43600488-G-T.
Other names: c.714G>T, p.Glu238Asp (NM_000323.2, NM_001406743.1, NM_001406744.1 and 8 more transcripts); c.-49G>T (NM_001355216.2); c.585G>T, p.Glu195Asp (NM_001406761.1, NM_001406762.1, NM_001406764.1 and 2 more transcripts); c.426G>T, p.Glu142Asp (NM_001406766.1, NM_001406767.1, NM_001406770.1); short protein forms E238D, E195D, E142D.
Identifiers: ClinVar variation 644521 (VCV000644521.9), dbSNP rs1588866043, ClinGen allele CA376544697.